The following is an entry in ClinVar:

NM_024685.4(BBS10):c.97G>A (p.Gly33Arg)

Gene: BBS10 (Bardet-Biedl syndrome 10; minus strand). Cytogenetic location: 12q21.2.
Variant type: single nucleotide variant.
Coding change: c.97G>A on transcript NM_024685.4 (MANE Select); coding-DNA position 97, G replaced by A.
Protein change: p.Gly33Arg; replaces glycine 33 with arginine.
Molecular consequence: missense variant.
Genome position (GRCh38, 1-based): chr12:76,348,262, C>T on the plus strand (G>A on the coding strand, the complement: BBS10 is on the minus strand). VCF-style: chr12-76348262-C-T. GRCh37 (hg19) VCF-style: chr12-76742042-C-T.
Other names: short protein forms G33R.
Identifiers: ClinVar variation 3659491 (VCV003659491.2).

ClinVar aggregate classification (germline): Uncertain significance (1 of 4 stars; one submission).

Conditions:
Bardet-Biedl syndrome (BBS). Identifiers: Orphanet 110, MedGen C0752166, MONDO:0015229.

Submission:

Labcorp Genetics (formerly Invitae), Labcorp
Classification: Uncertain significance for Bardet-Biedl syndrome. Last evaluated: 2024-07-14. Review status: criteria provided, single submitter. Criteria: Invitae Variant Classification Sherloc (09022015). Collection method: clinical testing. Allele origin: germline.
Comment: This sequence change replaces glycine, which is neutral and non-polar, with arginine, which is basic and polar, at codon 33 of the BBS10 protein (p.Gly33Arg). This variant is not present in population databases (gnomAD no frequency). This missense change has been observed in individual(s) with Bardet-Biedl syndrome (Invitae). Advanced modeling of protein sequence and biophysical properties (such as structural, functional, and spatial information, amino acid conservation, physicochemical variation, residue mobility, and thermodynamic stability) performed at Invitae indicates that this missense variant is expected to disrupt BBS10 protein function with a positive predictive value of 80%. This variant disrupts the p.Gly33 amino acid residue in BBS10. Other variant(s) that disrupt this residue have been observed in individuals with BBS10-related conditions (PMID: 29666954), which suggests that this may be a clinically significant amino acid residue. In summary, the available evidence is currently insufficient to determine the role of this variant in disease. Therefore, it has been classified as a Variant of Uncertain Significance.

Literature cited by the submitters: PubMed 29666954.